The following is an entry in ClinVar:

ClinVar aggregate classification (germline): Conflicting classifications of pathogenicity. Review status: criteria provided, conflicting classifications (1 of 4 stars). 4 submissions from 4 submitters: Likely pathogenic (2); Uncertain significance (1). 1 of the submissions does not count toward it. Last evaluated 2024-04-04.

Conditions:
Walker-Warburg congenital muscular dystrophy. Also called: Muscular dystrophy-dystroglycanopathy, type A; Walker-Warburg syndrome. Identifiers: Orphanet 899, MedGen C0265221, MONDO:0000171.
Autosomal recessive limb-girdle muscular dystrophy type 2K. Also called: MUSCULAR DYSTROPHY, LIMB-GIRDLE, TYPE 2K; MUSCULAR DYSTROPHY-DYSTROGLYCANOPATHY (LIMB-GIRDLE), TYPE C, 1. Identifiers: Orphanet 86812, MedGen C1836373, MONDO:0012248, OMIM 609308.
Muscular dystrophy-dystroglycanopathy (congenital with impaired intellectual development), type B, 1. Also called: MUSCULAR DYSTROPHY, CONGENITAL, POMT1-RELATED; Muscular dystrophy-dystroglycanopathy (congenital with intellectual disability), type B1. Identifiers: MedGen C5436962, MONDO:0013159, OMIM 613155.
Muscular dystrophy-dystroglycanopathy (congenital with brain and eye anomalies), type A1 (MDDGA1). Also called: WALKER-WARBURG SYNDROME OR MUSCLE-EYE-BRAIN DISEASE, POMT1-RELATED; Hydrocephalus, agyria and retinal dysplasia; Hard +/- E syndrome; Warburg syndrome; Chemke syndrome; Pagon syndrome. Identifiers: Orphanet 588, Orphanet 899, MedGen C4284790, MONDO:0009364, OMIM 236670.

Submissions (4):

Genomic Medicine Center of Excellence, King Faisal Specialist Hospital and Research Centre
Classification: Likely pathogenic for Muscular dystrophy-dystroglycanopathy (congenital with brain and eye anomalies), type A1. Last evaluated: 2024-04-04. Review status: criteria provided, single submitter. Criteria: ACMG Guidelines, 2015. Collection method: clinical testing. Allele origin: germline.

Labcorp Genetics (formerly Invitae), Labcorp
Classification: Uncertain significance for Muscular dystrophy-dystroglycanopathy (congenital with impaired intellectual development), type B, 1; Walker-Warburg congenital muscular dystrophy; Autosomal recessive limb-girdle muscular dystrophy type 2K. Last evaluated: 2019-09-25. Review status: criteria provided, single submitter. Criteria: Invitae Variant Classification Sherloc (09022015). Collection method: clinical testing. Allele origin: germline.
Comment: This variant is not present in population databases (ExAC no frequency). This variant has been observed homozygous in an individual affected with Walker-Warburg syndrome (PMID: 28556411). This variant is also known as c.1241+3delAGTG in the literature. In summary, the available evidence is currently insufficient to determine the role of this variant in disease. Therefore, it has been classified as a Variant of Uncertain Significance. Nucleotide substitutions within the consensus splice site are a relatively common cause of aberrant splicing (PMID: 17576681, 9536098). Algorithms developed to predict the effect of sequence changes on RNA splicing suggest that this variant may disrupt the consensus splice site, but this prediction has not been confirmed by published transcriptional studies. This sequence change falls in intron 12 of the POMT1 gene. It does not directly change the encoded amino acid sequence of the POMT1 protein, but it affects a nucleotide within the consensus splice site of the intron.

Pathology and Clinical Laboratory Medicine, King Fahad Medical City
Classification: Likely pathogenic for Muscular dystrophy-dystroglycanopathy (congenital with brain and eye anomalies), type A1. Review status: criteria provided, single submitter. Criteria: ACMG Guidelines, 2015. Collection method: clinical testing. Allele origin: germline. Affected: yes. Observed: 1 variant allele.

Biochemical Molecular Genetic Laboratory, King Abdulaziz Medical City
Classification: Pathogenic for Muscular dystrophy-dystroglycanopathy (congenital with brain and eye anomalies), type A1. Last evaluated: 2019-01-29. Review status: no assertion criteria provided. Collection method: clinical testing. Allele origin: germline. Affected: yes. Not counted in ClinVar's aggregate classification.

Literature cited by the submitters: PubMed 28556411 (cited by Labcorp Genetics (formerly Invitae), Labcorp); PubMed 17576681 (cited by Labcorp Genetics (formerly Invitae), Labcorp); PubMed 9536098 (cited by Labcorp Genetics (formerly Invitae), Labcorp).

NM_001077365.2(POMT1):c.1175+4_1175+7del

Gene: POMT1 (protein O-mannosyltransferase 1; plus strand). Cytogenetic location: 9q34.13.
Variant type: Deletion.
Coding change: c.1175+4_1175+7del on transcript NM_001077365.2 (MANE Select); bases 4 to 7 of the intron after coding-DNA position 1175, 4 bases deleted (AGTG; older notation c.1175+4_1175+7delAGTG).
Molecular consequence: splice donor variant. On other transcripts: intron variant (1).
Genome position (GRCh38, 1-based): chr9:131,513,335-131,513,338, AGTG deleted; deleting any 4 consecutive bases within chr9:131,513,332-131,513,338 gives the same sequence; the c. name uses the placement nearest the transcript's 3' end. VCF-style (leftmost placement, unchanged base first): chr9-131513331-CGTGA-C. GRCh37 (hg19) VCF-style: chr9-134388718-CGTGA-C.
Other names: c.1079+4_1079+7del (NM_001353198.2, NM_001353197.2); c.1241+4_1241+7del (NM_001353193.2, NM_007171.4); c.1175+4_1175+7del (NM_001136113.2, NM_001374690.1); c.1013+4_1013+7del (NM_001353194.2, NM_001077366.2); c.824+4_824+7del (NM_001374691.1, NM_001353195.2, NM_001374692.1 and 1 more transcripts); c.1085+4_1085+7del (NM_001353196.2); c.785+4_785+7del (NM_001374695.1); c.1163+4_1163+7del (NM_001374689.1); and 3 more.
Identifiers: ClinVar variation 800791 (VCV000800791.13), dbSNP rs1588409344, ClinGen allele CA915947216.
Genomic context (GRCh38, chr9:131,513,331, plus strand): 5'-CTGTGAGGCACGGGGACATGGTGCAGCTGGTCCACGGCATGACCACCCGCTCCCTGAACA[CGTGA>C]GTGTGCCCGCCGTCTGCTCTGCTGCACCTGTGGGTTTCCTCTGTGGTTCTCTGTTCAGAC-3'